The following is an entry in ClinVar:

ClinVar aggregate classification (germline): Uncertain significance (1 of 4 stars; one submission).

Allele frequency attached by ClinVar (database versions not stated): gnomAD exomes below 0.00001.
gnomAD v4.1: 1 of 1,614,214 alleles (0.000062%); no homozygotes.

Submission:

Labcorp Genetics (formerly Invitae), Labcorp
Classification: Uncertain significance. Last evaluated: 2022-07-19. Review status: criteria provided, single submitter. Criteria: Invitae Variant Classification Sherloc (09022015). Collection method: clinical testing. Allele origin: germline.
Comment: Algorithms developed to predict the effect of sequence changes on RNA splicing suggest that this variant may disrupt the consensus splice site. In summary, the available evidence is currently insufficient to determine the role of this variant in disease. Therefore, it has been classified as a Variant of Uncertain Significance. Algorithms developed to predict the effect of missense changes on protein structure and function output the following: SIFT: "Tolerated"; PolyPhen-2: "Benign"; Align-GVGD: "Class C0". The serine amino acid residue is found in multiple mammalian species, which suggests that this missense change does not adversely affect protein function. This variant has not been reported in the literature in individuals affected with ARSG-related conditions. This variant is not present in population databases (gnomAD no frequency). This sequence change replaces glycine, which is neutral and non-polar, with serine, which is neutral and polar, at codon 270 of the ARSG protein (p.Gly270Ser).

NM_001267727.2(ARSG):c.808G>A (p.Gly270Ser)

Gene: ARSG (arylsulfatase G; plus strand). Cytogenetic location: 17q24.2.
Variant type: single nucleotide variant.
Coding change: c.808G>A on transcript NM_001267727.2 (MANE Select); coding-DNA position 808, G replaced by A.
Protein change: p.Gly270Ser; replaces glycine 270 with serine.
Molecular consequence: missense variant.
Genome position (GRCh38, 1-based): chr17:68,368,651, G>A. VCF-style: chr17-68368651-G-A. GRCh37 (hg19) VCF-style: chr17-66364792-G-A.
Other names: c.808G>A, p.Gly270Ser (NM_001352899.2, NM_001352900.2, NM_001352901.2 and 3 more transcripts); c.805G>A, p.Gly269Ser (NM_001352903.2, NM_001352904.2, NM_001352905.2 and 2 more transcripts); c.760G>A, p.Gly254Ser (NM_001352909.2); short protein forms G269S, G270S, G254S.
Identifiers: ClinVar variation 2040862 (VCV002040862.4), dbSNP rs1568532824, ClinGen allele CA400745389.